The following is an entry in ClinVar:

NM_000718.4(CACNA1B):c.5442G>T (p.Gln1814His)

Gene: CACNA1B (calcium voltage-gated channel subunit alpha1 B; plus strand). Cytogenetic location: 9q34.3.
Variant type: single nucleotide variant.
Coding change: c.5442G>T on transcript NM_000718.4 (MANE Select); coding-DNA position 5442, G replaced by T.
Protein change: p.Gln1814His; replaces glutamine 1814 with histidine.
Molecular consequence: missense variant.
Genome position (GRCh38, 1-based): chr9:138,112,411, G>T. VCF-style: chr9-138112411-G-T. GRCh37 (hg19) VCF-style: chr9-141006863-G-T.
Other names: c.5442G>T, p.Gln1814His (NM_001243812.2); short protein forms Q1814H.
Identifiers: ClinVar variation 1993746 (VCV001993746.4), dbSNP rs2539590341, ClinGen allele CA375815752.

ClinVar aggregate classification (germline): Uncertain significance (1 of 4 stars; one submission).

Allele frequency attached by ClinVar (database versions not stated): gnomAD exomes below 0.00001.
gnomAD v4.1: 5 of 1,612,818 alleles (0.00031%); highest among the groups gnomAD compares: Non-Finnish European, 0.00042%; no homozygotes.

Submission:

Labcorp Genetics (formerly Invitae), Labcorp
Classification: Uncertain significance. Last evaluated: 2022-05-12. Review status: criteria provided, single submitter. Criteria: Invitae Variant Classification Sherloc (09022015). Collection method: clinical testing. Allele origin: germline.
Comment: This variant is not present in population databases (gnomAD no frequency). This sequence change replaces glutamine, which is neutral and polar, with histidine, which is basic and polar, at codon 1814 of the CACNA1B protein (p.Gln1814His). This variant has not been reported in the literature in individuals affected with CACNA1B-related conditions. Advanced modeling of protein sequence and biophysical properties (such as structural, functional, and spatial information, amino acid conservation, physicochemical variation, residue mobility, and thermodynamic stability) performed at Invitae indicates that this missense variant is not expected to disrupt CACNA1B protein function. In summary, the available evidence is currently insufficient to determine the role of this variant in disease. Therefore, it has been classified as a Variant of Uncertain Significance.